The following is an entry in ClinVar:

ClinVar aggregate classification (germline): Uncertain significance (1 of 4 stars; one submission).

Conditions:
Congenital muscular dystrophy due to integrin alpha-7 deficiency. Also called: MYOPATHY, CONGENITAL, DUE TO INTEGRIN ALPHA-7 DEFICIENCY; Congenital muscular dystrophy with integrin alpha-7 deficiency; Muscular dystrophy, congenital, due to ITGA7 deficiency. Identifiers: Orphanet 34520, MedGen C2750786, MONDO:0013177, OMIM 613204.

Submission:

Labcorp Genetics (formerly Invitae), Labcorp
Classification: Uncertain significance for Congenital muscular dystrophy due to integrin alpha-7 deficiency. Last evaluated: 2021-09-23. Review status: criteria provided, single submitter. Criteria: Invitae Variant Classification Sherloc (09022015). Collection method: clinical testing. Allele origin: germline.
Comment: This variant is not present in population databases (ExAC no frequency). This sequence change replaces valine with leucine at codon 991 of the ITGA7 protein (p.Val991Leu). The valine residue is highly conserved and there is a small physicochemical difference between valine and leucine. This variant has not been reported in the literature in individuals affected with ITGA7-related conditions. Algorithms developed to predict the effect of missense changes on protein structure and function are either unavailable or do not agree on the potential impact of this missense change (SIFT: "Deleterious"; PolyPhen-2: "Benign"; Align-GVGD: "Class C0"). In summary, the available evidence is currently insufficient to determine the role of this variant in disease. Therefore, it has been classified as a Variant of Uncertain Significance.

NM_002206.3(ITGA7):c.2971G>C (p.Val991Leu)

Gene: ITGA7 (integrin subunit alpha 7; minus strand). Cytogenetic location: 12q13.2.
Variant type: single nucleotide variant.
Coding change: c.2971G>C on transcript NM_002206.3 (MANE Select); coding-DNA position 2971, G replaced by C.
Protein change: p.Val991Leu; replaces valine 991 with leucine.
Molecular consequence: missense variant.
Genome position (GRCh38, 1-based): chr12:55,688,288, C>G on the plus strand (G>C on the coding strand, the complement: ITGA7 is on the minus strand). VCF-style: chr12-55688288-C-G. GRCh37 (hg19) VCF-style: chr12-56082072-C-G.
Other names: c.2983G>C, p.Val995Leu (NM_001144996.2); c.2692G>C, p.Val898Leu (NM_001144997.2); c.2644G>C, p.Val882Leu (NM_001367993.1); c.1627G>C, p.Val543Leu (NM_001367994.1); c.2953G>C, p.Val985Leu (NM_001374465.1); c.3103G>C, p.Val1035Leu (NM_001410977.1); c.2965G>C, p.Val989Leu (NM_001414029.1); c.2896G>C, p.Val966Leu (NM_001414030.1); and 5 more; short protein forms V995L, V898L, V991L, V543L, V882L, V985L, V1035L, V878L.
Identifiers: ClinVar variation 1382733 (VCV001382733.6), dbSNP rs1268555212, ClinGen allele CA385180883.